The following is an entry in ClinVar:

NM_004415.4(DSP):c.6124C>T (p.Pro2042Ser)

Gene: DSP (desmoplakin; plus strand). Cytogenetic location: 6p24.3.
Variant type: single nucleotide variant.
Coding change: c.6124C>T on transcript NM_004415.4 (MANE Select); coding-DNA position 6124, C replaced by T.
Protein change: p.Pro2042Ser; replaces proline 2042 with serine.
Molecular consequence: missense variant.
Genome position (GRCh38, 1-based): chr6:7,583,386, C>T. VCF-style: chr6-7583386-C-T. GRCh37 (hg19) VCF-style: chr6-7583619-C-T.
Other names: c.4327C>T, p.Pro1443Ser (NM_001008844.3); c.4795C>T, p.Pro1599Ser (NM_001319034.2); short protein forms P1443S, P1599S, P2042S.
Identifiers: ClinVar variation 1339311 (VCV001339311.1), dbSNP rs552996773, ClinGen allele CA362690131.
Genomic context (GRCh38, chr6:7,583,386, plus strand): 5'-TCTGCTTCTCCTAAGGAAAAATACTCTTTGGTAGAGGCCAAGAGAAAGAAATTAATCAGC[C>T]CAGAATCCACAGTCATGCTTCTGGAGGCCCAGGCAGCTACAGGTGGTATAATTGATCCCC-3'
Protein context (NP_004406.2, residues 2032-2052): VEAKRKKLIS[Pro2042Ser]ESTVMLLEAQ

ClinVar aggregate classification (germline): Uncertain significance (1 of 4 stars; one submission).

Submission:

Phosphorus, Inc.
Classification: Uncertain significance. Last evaluated: 2022-01-14. Review status: criteria provided, single submitter. Criteria: ACMG Guidelines, 2015. Collection method: clinical testing. Allele origin: germline. Inheritance: Autosomal dominant inheritance.
Comment: This missense variant results in an amino acid substitution of Proline with Serine at codon 2042 of the DSP gene (transcript: NM_004415.3). This variant does not have an entry in ClinVar. This variant is very rare and has not occurred in population databases. This position is conserved. In silico functional algorithms disagree and predict this variant to be benign (PolyPhen) and deleterious (SIFT). However, no functional studies were performed to confirm either of those predictions. The variant has not occurred in the literature in association with disease. Considering that this is a rare variant and the available evidence is not enough to ascertain its role in disease, it has been classified as Variant of Uncertain Significance.